The following is an entry in ClinVar:

ClinVar aggregate classification (germline): Uncertain significance. Review status: criteria provided, multiple submitters, no conflicts (2 of 4 stars). 4 submissions from 4 submitters: Uncertain significance (4). Last evaluated 2025-03-23.

Conditions:
Hypertrophic cardiomyopathy 1 (CMH1). Also called: Familial hypertrophic cardiomyopathy 1; MYH7-Related Familial Hypertrophic Cardiomyopathy. Identifiers: MedGen C3495498, MONDO:0008647, OMIM 192600.
Atrial septal defect 3 (ASD3). Identifiers: Orphanet 1478, MedGen C3279790, MONDO:0013567, OMIM 614089.
Hypertrophic cardiomyopathy 14. Identifiers: MedGen C2750467, MONDO:0013197, OMIM 613251.
Sick sinus syndrome 3, susceptibility to (SSS3). Identifiers: Orphanet 166282, MedGen C3279791, MONDO:0013568, OMIM 614090.
Dilated cardiomyopathy 1EE (CMD1EE). Identifiers: Orphanet 154, MedGen C2750466, MONDO:0013198, OMIM 613252.
Cardiovascular phenotype. Identifiers: MedGen CN230736.

gnomAD v4.1: 5 of 1,614,232 alleles (0.00031%); highest among the groups gnomAD compares: Non-Finnish European, 0.00042%; no homozygotes.

Submissions (4):

Ambry Genetics
Classification: Uncertain significance for Cardiovascular phenotype. Last evaluated: 2025-03-23. Review status: criteria provided, single submitter. Criteria: Ambry Variant Classification Scheme 2023. Collection method: clinical testing. Allele origin: germline.
Comment: The p.D1668H variant (also known as c.5002G>C), located in coding exon 32 of the MYH6 gene, results from a G to C substitution at nucleotide position 5002. The aspartic acid at codon 1668 is replaced by histidine, an amino acid with similar properties. This amino acid position is conserved. In addition, the in silico prediction for this alteration is inconclusive. Since supporting evidence is limited at this time, the clinical significance of this alteration remains unclear.

Labcorp Genetics (formerly Invitae), Labcorp
Classification: Uncertain significance for Hypertrophic cardiomyopathy 14. Last evaluated: 2024-06-11. Review status: criteria provided, single submitter. Criteria: Invitae Variant Classification Sherloc (09022015). Collection method: clinical testing. Allele origin: germline.
Comment: This sequence change replaces aspartic acid, which is acidic and polar, with histidine, which is basic and polar, at codon 1668 of the MYH6 protein (p.Asp1668His). This variant is not present in population databases (gnomAD no frequency). This variant has not been reported in the literature in individuals affected with MYH6-related conditions. ClinVar contains an entry for this variant (Variation ID: 1398688). Advanced modeling of protein sequence and biophysical properties (such as structural, functional, and spatial information, amino acid conservation, physicochemical variation, residue mobility, and thermodynamic stability) performed at Invitae indicates that this missense variant is not expected to disrupt MYH6 protein function with a negative predictive value of 80%. In summary, the available evidence is currently insufficient to determine the role of this variant in disease. Therefore, it has been classified as a Variant of Uncertain Significance.

GeneDx
Classification: Uncertain significance. Last evaluated: 2023-10-24. Review status: criteria provided, single submitter. Criteria: GeneDx Variant Classification Process June 2021. Collection method: clinical testing. Allele origin: germline. Affected: yes.
Comment: Not observed at significant frequency in large population cohorts (gnomAD); In silico analysis supports that this missense variant has a deleterious effect on protein structure/function; Has not been previously published as pathogenic or benign to our knowledge

Fulgent Genetics
Classification: Uncertain significance for Hypertrophic cardiomyopathy 1; Hypertrophic cardiomyopathy 14; Dilated cardiomyopathy 1EE; Atrial septal defect 3; Sick sinus syndrome 3, susceptibility to. Last evaluated: 2021-08-02. Review status: criteria provided, single submitter. Criteria: ACMG Guidelines, 2015. Collection method: clinical testing. Allele origin: unknown.

NM_002471.4(MYH6):c.5002G>C (p.Asp1668His)

Genes: MYH6 (myosin heavy chain 6; minus strand), LOC126861896 (BRD4-independent group 4 enhancer GRCh37_chr14:23854904-23856103; plus strand). Cytogenetic location: 14q11.2.
Variant type: single nucleotide variant.
Coding change: c.5002G>C on transcript NM_002471.4 (MANE Select); coding-DNA position 5002, G replaced by C.
Protein change: p.Asp1668His; replaces aspartic acid 1668 with histidine.
Molecular consequence: missense variant.
Genome position (GRCh38, 1-based): chr14:23,386,089, C>G on the plus strand (G>C on the coding strand, the complement: MYH6 is on the minus strand). VCF-style: chr14-23386089-C-G. GRCh37 (hg19) VCF-style: chr14-23855298-C-G.
Other names: short protein forms D1668H.
Identifiers: ClinVar variation 1398688 (VCV001398688.13), dbSNP rs200884672, ClinGen allele CA388990366.